The following is an entry in ClinVar:

ClinVar aggregate classification (germline): Uncertain significance (1 of 4 stars; one submission).

Submission:

Labcorp Genetics (formerly Invitae), Labcorp
Classification: Uncertain significance. Last evaluated: 2024-12-17. Review status: criteria provided, single submitter. Criteria: Invitae Variant Classification Sherloc (09022015). Collection method: clinical testing. Allele origin: germline.
Comment: This sequence change replaces tyrosine, which is neutral and polar, with histidine, which is basic and polar, at codon 68 of the A2ML1 protein (p.Tyr68His). This variant is not present in population databases (gnomAD no frequency). This variant has not been reported in the literature in individuals affected with A2ML1-related conditions. An algorithm developed to predict the effect of missense changes on protein structure and function outputs the following: PolyPhen-2: "Benign". The histidine amino acid residue is found in multiple mammalian species, which suggests that this missense change does not adversely affect protein function. In summary, the available evidence is currently insufficient to determine the role of this variant in disease. Therefore, it has been classified as a Variant of Uncertain Significance.

NM_144670.6(A2ML1):c.202T>C (p.Tyr68His)

Genes: A2ML1 (alpha-2-macroglobulin like 1; plus strand), A2ML1-AS1 (A2ML1 antisense RNA 1; minus strand). Cytogenetic location: 12p13.31.
Variant type: single nucleotide variant.
Coding change: c.202T>C on transcript NM_144670.6 (MANE Select); coding-DNA position 202, T replaced by C.
Protein change: p.Tyr68His; replaces tyrosine 68 with histidine.
Molecular consequence: missense variant.
Genome position (GRCh38, 1-based): chr12:8,823,321, T>C. VCF-style: chr12-8823321-T-C. GRCh37 (hg19) VCF-style: chr12-8975917-T-C.
Other names: short protein forms Y68H.
Identifiers: ClinVar variation 3632542 (VCV003632542.2).